The following is an entry in ClinVar:

NM_000334.4(SCN4A):c.2690T>A (p.Met897Lys)

Genes: GH-LCR (growth hormone locus control region; plus strand), SCN4A (sodium voltage-gated channel alpha subunit 4; minus strand). Cytogenetic location: 17q23.3.
Variant type: single nucleotide variant.
Coding change: c.2690T>A on transcript NM_000334.4 (MANE Select); coding-DNA position 2690, T replaced by A.
Protein change: p.Met897Lys; replaces methionine 897 with lysine.
Molecular consequence: missense variant.
Genome position (GRCh38, 1-based): chr17:63,951,587, A>T on the plus strand (T>A on the coding strand, the complement: SCN4A is on the minus strand). VCF-style: chr17-63951587-A-T. GRCh37 (hg19) VCF-style: chr17-62028947-A-T.
Other names: short protein forms M897K.
Identifiers: ClinVar variation 936085 (VCV000936085.11), dbSNP rs370879135, ClinGen allele CA400625696.

ClinVar aggregate classification (germline): Uncertain significance. Review status: criteria provided, multiple submitters, no conflicts (2 of 4 stars). 2 submissions from 2 submitters: Uncertain significance (2). Last evaluated 2024-03-26.

Conditions:
Paramyotonia congenita of Von Eulenburg. Also called: PARALYSIS PERIODICA PARAMYOTONICA; Eulenburg disease; Myotonia congenita intermittens; Von Eulenburg paramyotonia congenita; Paramyotonia Congenita. Identifiers: Orphanet 684, MedGen C0221055, MONDO:0008195, OMIM 168300. Disease mechanism: loss of function.
Congenital myopathy 22A, classic (CMYO22A). Identifiers: MedGen C5830453, MONDO:0957247, OMIM 620351.
Congenital myopathy 22B, severe fetal (CMYO22B). Identifiers: MedGen C5830501, MONDO:0957265, OMIM 620369.
Congenital myasthenic syndrome 16. Identifiers: Orphanet 590, MedGen C3280112, MONDO:0013620, OMIM 614198.
Hypokalemic periodic paralysis, type 2 (HOKPP2). Identifiers: Orphanet 681, MedGen C2750061, MONDO:0013234, OMIM 613345.
Potassium-aggravated myotonia. Also called: Myotonia congenita, atypical, acetazolamide-responsive; MYOTONIA CONGENITA, ACETAZOLAMIDE-RESPONSIVE; MYOTONIA CONGENITA, ATYPICAL; SODIUM CHANNEL MUSCLE DISEASE. Identifiers: Orphanet 612, Orphanet 99734, Orphanet 99735, Orphanet 99736, MedGen C2931826, MONDO:0018959, OMIM 608390.
Hyperkalemic periodic paralysis. Also called: Gamstorp disease; Familial hyperkalemic periodic paralysis. Identifiers: Orphanet 682, MedGen C0238357, MONDO:0008224, OMIM 170500, HP:0007215.

gnomAD v4.1: 21 of 1,613,900 alleles (0.0013%); highest among the groups gnomAD compares: Non-Finnish European, 0.0017%; no homozygotes.

Submissions (2):

Fulgent Genetics
Classification: Uncertain significance for Paramyotonia congenita of Von Eulenburg; Hyperkalemic periodic paralysis; Potassium-aggravated myotonia; Hypokalemic periodic paralysis, type 2; Congenital myasthenic syndrome 16; Congenital myopathy 22A, classic; Congenital myopathy 22B, severe fetal. Last evaluated: 2024-03-26. Review status: criteria provided, single submitter. Criteria: ACMG Guidelines, 2015. Collection method: clinical testing. Allele origin: germline.

Labcorp Genetics (formerly Invitae), Labcorp
Classification: Uncertain significance for Hyperkalemic periodic paralysis. Last evaluated: 2023-10-31. Review status: criteria provided, single submitter. Criteria: Invitae Variant Classification Sherloc (09022015). Collection method: clinical testing. Allele origin: germline.
Comment: This sequence change replaces methionine, which is neutral and non-polar, with lysine, which is basic and polar, at codon 897 of the SCN4A protein (p.Met897Lys). This variant is present in population databases (no rsID available, gnomAD 0.003%). This variant has not been reported in the literature in individuals affected with SCN4A-related conditions. ClinVar contains an entry for this variant (Variation ID: 936085). Advanced modeling of protein sequence and biophysical properties (such as structural, functional, and spatial information, amino acid conservation, physicochemical variation, residue mobility, and thermodynamic stability) performed at Invitae indicates that this missense variant is not expected to disrupt SCN4A protein function with a negative predictive value of 95%. In summary, the available evidence is currently insufficient to determine the role of this variant in disease. Therefore, it has been classified as a Variant of Uncertain Significance.